The following is an entry in ClinVar:

NM_152564.5(VPS13B):c.6432C>T (p.Val2144=)

Gene: VPS13B (vacuolar protein sorting 13 homolog B; plus strand). Cytogenetic location: 8q22.2.
Variant type: single nucleotide variant.
Coding change: c.6432C>T on transcript NM_152564.5 (MANE Select); coding-DNA position 6432, C replaced by T.
Protein change: p.Val2144=; no amino-acid change (valine 2144 retained).
Molecular consequence: synonymous variant.
Genome position (GRCh38, 1-based): chr8:99,699,910, C>T. VCF-style: chr8-99699910-C-T. GRCh37 (hg19) VCF-style: chr8-100712138-C-T.
Other names: c.6507C>T, p.Val2169= (NM_017890.5).
Identifiers: ClinVar variation 3344319 (VCV003344319.1).

ClinVar aggregate classification (germline): Likely benign (0 of 4 stars; one submission).

Conditions:
VPS13B-related disorder. Also called: VPS13B-related condition.

Submission:

PreventionGenetics, part of Exact Sciences
Classification: Likely benign for VPS13B-related condition. Last evaluated: 2024-08-22. Review status: no assertion criteria provided. Collection method: clinical testing. Allele origin: germline.
Comment: This variant is classified as likely benign based on ACMG/AMP sequence variant interpretation guidelines (Richards et al. 2015 PMID: 25741868, with internal and published modifications).